The following is an entry in ClinVar:

ClinVar aggregate classification (germline): Uncertain significance. Review status: criteria provided, multiple submitters, no conflicts (2 of 4 stars). 5 submissions from 4 submitters: Uncertain significance (5). Last evaluated 2024-10-07.

Conditions:
Neu-Laxova syndrome 1 (NLS1). Identifiers: Orphanet 2671, Orphanet 583607, MedGen C4551478, MONDO:0009736, OMIM 256520. Disease mechanism: loss of function.
Inborn genetic diseases. Identifiers: MedGen C0950123, MeSH D030342.
PHGDH deficiency. Identifiers: Orphanet 79351, MedGen C1866174, MONDO:0011152, OMIM 601815.

Allele frequency attached by ClinVar (database versions not stated): ExAC 0.00003; gnomAD 0.00003; TOPMed 0.00003; gnomAD exomes 0.00004 and 0.00005; ESP Exome Variant Server 0.00015.
gnomAD v4.1: 59 of 1,614,128 alleles (0.0037%); highest among the groups gnomAD compares: Admixed American, 0.018%; no homozygotes.

Submissions (5):

Ambry Genetics
Classification: Uncertain significance for Inborn genetic diseases. Last evaluated: 2024-10-07. Review status: criteria provided, single submitter. Criteria: Ambry Variant Classification Scheme 2023. Collection method: clinical testing. Allele origin: germline.

Genome-Nilou Lab
Classification: Uncertain significance for Neu-Laxova syndrome 1. Last evaluated: 2023-04-11. Review status: criteria provided, single submitter. Criteria: ACMG Guidelines, 2015. Collection method: clinical testing. Allele origin: germline. Affected: no.

Genome-Nilou Lab
Classification: Uncertain significance for PHGDH deficiency. Last evaluated: 2023-04-11. Review status: criteria provided, single submitter. Criteria: ACMG Guidelines, 2015. Collection method: clinical testing. Allele origin: germline. Affected: no.

Labcorp Genetics (formerly Invitae), Labcorp
Classification: Uncertain significance for PHGDH deficiency. Last evaluated: 2022-10-13. Review status: criteria provided, single submitter. Criteria: Invitae Variant Classification Sherloc (09022015). Collection method: clinical testing. Allele origin: germline.
Comment: This sequence change replaces arginine, which is basic and polar, with tryptophan, which is neutral and slightly polar, at codon 268 of the PHGDH protein (p.Arg268Trp). This variant is present in population databases (rs142622658, gnomAD 0.02%). This variant has not been reported in the literature in individuals affected with PHGDH-related conditions. ClinVar contains an entry for this variant (Variation ID: 1029062). Algorithms developed to predict the effect of missense changes on protein structure and function (SIFT, PolyPhen-2, Align-GVGD) all suggest that this variant is likely to be tolerated. In summary, the available evidence is currently insufficient to determine the role of this variant in disease. Therefore, it has been classified as a Variant of Uncertain Significance.

Baylor Genetics
Classification: Uncertain significance for Neu-Laxova syndrome 1. Last evaluated: 2020-07-09. Review status: criteria provided, single submitter. Criteria: ACMG Guidelines, 2015. Collection method: clinical testing. Allele origin: unknown. Affected: yes.
Comment: This variant was determined to be of uncertain significance according to ACMG Guidelines, 2015 [PMID:25741868].

NM_006623.4(PHGDH):c.802C>T (p.Arg268Trp)

Gene: PHGDH (phosphoglycerate dehydrogenase; plus strand). Cytogenetic location: 1p12.
Variant type: single nucleotide variant.
Coding change: c.802C>T on transcript NM_006623.4 (MANE Select); coding-DNA position 802, C replaced by T.
Protein change: p.Arg268Trp; replaces arginine 268 with tryptophan.
Molecular consequence: missense variant.
Genome position (GRCh38, 1-based): chr1:119,737,123, C>T. VCF-style: chr1-119737123-C-T. GRCh37 (hg19) VCF-style: chr1-120279746-C-T.
Other names: short protein forms R268W.
Identifiers: ClinVar variation 1029062 (VCV001029062.4), dbSNP rs142622658, ClinGen allele CA1037269.